The following is an entry in ClinVar:

ClinVar aggregate classification (germline): Pathogenic (1 of 4 stars; one submission).

Conditions:
DNA ligase IV deficiency. Identifiers: Orphanet 99812, MedGen C1847827, MONDO:0011686, OMIM 606593.

Submission:

Labcorp Genetics (formerly Invitae), Labcorp
Classification: Pathogenic for DNA ligase IV deficiency. Last evaluated: 2025-11-01. Review status: criteria provided, single submitter. Criteria: Invitae Variant Classification Sherloc (09022015). Collection method: clinical testing. Allele origin: germline.
Comment: This sequence change creates a premature translational stop signal (p.Ile175Argfs*13) in the LIG4 gene. While this is not anticipated to result in nonsense mediated decay, it is expected to disrupt the last 737 amino acid(s) of the LIG4 protein. This variant is present in population databases (no rsID available, gnomAD 0.1%). This variant has not been reported in the literature in individuals affected with LIG4-related conditions. This variant disrupts a region of the LIG4 protein in which other variant(s) (p.Lys449Gln) have been determined to be pathogenic (PMID: 27063650, 38165471). This suggests that this is a clinically significant region of the protein, and that variants that disrupt it are likely to be disease-causing. For these reasons, this variant has been classified as Pathogenic.

Literature cited by the submitters: PubMed 27063650; PubMed 38165471.

NM_206937.2(LIG4):c.524_530del (p.Ile175fs)

Gene: LIG4 (DNA ligase 4; minus strand). Cytogenetic location: 13q33.3.
Variant type: Deletion.
Coding change: c.524_530del on transcript NM_206937.2 (MANE Select); coding-DNA positions 524 to 530, 7 bases deleted (TAACTCA; older notation c.524_530delTAACTCA).
Protein change: p.Ile175fs; shifts the reading frame from isoleucine 175.
Molecular consequence: frameshift variant.
Genome position (GRCh38, 1-based): chr13:108,210,739-108,210,745, TGAGTTA deleted on the plus strand (TAACTCA on the coding strand, the reverse complement: LIG4 is on the minus strand); deleting any 7 consecutive bases within chr13:108,210,739-108,210,746 gives the same sequence; the c. name uses the placement nearest the transcript's 3' end. VCF-style (leftmost placement, unchanged base first): chr13-108210738-CTGAGTTA-C. GRCh37 (hg19) VCF-style: chr13-108863086-CTGAGTTA-C.
Other names: c.524_530del, p.Ile175fs (NM_001098268.2, NM_001352598.2, NM_001352599.2 and 6 more transcripts); c.323_329del, p.Ile108fs (NM_001330595.2); c.560_566del, p.Ile187fs (NM_001352604.2); short protein forms I108fs, I175fs, I187fs.
Identifiers: ClinVar variation 4699544 (VCV004699544.1).